The following is an entry in ClinVar:

NM_016213.5(TRIP4):c.1072A>G (p.Asn358Asp)

Gene: TRIP4 (thyroid hormone receptor interactor 4; plus strand). Cytogenetic location: 15q22.31.
Variant type: single nucleotide variant.
Coding change: c.1072A>G on transcript NM_016213.5 (MANE Select); coding-DNA position 1072, A replaced by G.
Protein change: p.Asn358Asp; replaces asparagine 358 with aspartic acid.
Molecular consequence: missense variant.
Genome position (GRCh38, 1-based): chr15:64,414,113, A>G. VCF-style: chr15-64414113-A-G. GRCh37 (hg19) VCF-style: chr15-64706312-A-G.
Other names: c.382A>G, p.Asn128Asp (NM_001321924.2); short protein forms N358D, N128D.
Identifiers: ClinVar variation 709482 (VCV000709482.15), dbSNP rs74019250, ClinGen allele CA7609540.

ClinVar aggregate classification (germline): Likely benign. Review status: criteria provided, multiple submitters, no conflicts (2 of 4 stars). 4 submissions from 4 submitters: Likely benign (3). 1 of the submissions does not count toward it. Last evaluated 2025-11-11.

Conditions:
TRIP4-related disorder. Also called: TRIP4-related condition; TRIP4-related disorders.

Allele frequency attached by ClinVar (database versions not stated): gnomAD exomes 0.00020 and 0.00046; ExAC 0.00054; gnomAD 0.00177 and 0.00190; 1000 Genomes Project 30x 0.00187; 1000 Genomes Project 0.00200; ESP Exome Variant Server 0.00223; TOPMed 0.00201.
gnomAD v4.1: 555 of 1,614,138 alleles (0.034%); highest among the groups gnomAD compares: African/African-American, 0.67%; 2 homozygotes.

Submissions (4):

Labcorp Genetics (formerly Invitae), Labcorp
Classification: Likely benign. Last evaluated: 2025-11-11. Review status: criteria provided, single submitter. Criteria: Invitae Variant Classification Sherloc (09022015). Collection method: clinical testing. Allele origin: germline.

GeneDx
Classification: Likely benign. Last evaluated: 2019-12-31. Review status: criteria provided, single submitter. Criteria: GeneDx Variant Classification Process June 2021. Collection method: clinical testing. Allele origin: germline. Affected: yes.

Breakthrough Genomics
Classification: Likely benign. Review status: criteria provided, single submitter. Criteria: ACMG Guidelines, 2015. Collection method: not provided. Allele origin: germline. Inheritance: Autosomal recessive inheritance. Affected: yes.

PreventionGenetics, part of Exact Sciences
Classification: Likely benign for TRIP4-related condition. Last evaluated: 2020-01-17. Review status: no assertion criteria provided. Collection method: clinical testing. Allele origin: germline. Not counted in ClinVar's aggregate classification.
Comment: This variant is classified as likely benign based on ACMG/AMP sequence variant interpretation guidelines (Richards et al. 2015 PMID: 25741868, with internal and published modifications).